The following is an entry in ClinVar:

ClinVar aggregate classification (germline): Likely benign. Review status: criteria provided, multiple submitters, no conflicts (2 of 4 stars). 2 submissions from 2 submitters: Likely benign (2). Last evaluated 2025-08-06.

Allele frequency attached by ClinVar (database versions not stated): gnomAD 0.00001; gnomAD exomes 0.00001 and 0.00002; TOPMed 0.00002; ExAC 0.00003.
gnomAD v4.1: 18 of 1,612,048 alleles (0.0011%); highest among the groups gnomAD compares: Admixed American, 0.005%; no homozygotes.

Submissions (2):

Labcorp Genetics (formerly Invitae), Labcorp
Classification: Likely benign. Last evaluated: 2025-08-06. Review status: criteria provided, single submitter. Criteria: Invitae Variant Classification Sherloc (09022015). Collection method: clinical testing. Allele origin: germline.

CeGaT Center for Human Genetics Tuebingen
Classification: Likely benign. Last evaluated: 2022-08-01. Review status: criteria provided, single submitter. Criteria: CeGaT Center For Human Genetics Tuebingen Variant Classification Criteria Version 2. Collection method: clinical testing. Allele origin: germline. Affected: yes. Observed: 1 variant allele.
Comment: ATAD1: BP4, BP7

NM_001321967.2(ATAD1):c.303G>A (p.Thr101=)

Gene: ATAD1 (ATPase family AAA domain containing 1; minus strand). Cytogenetic location: 10q23.31.
Variant type: single nucleotide variant.
Coding change: c.303G>A on transcript NM_001321967.2 (MANE Select); coding-DNA position 303, G replaced by A.
Protein change: p.Thr101=; no amino-acid change (threonine 101 retained).
Molecular consequence: synonymous variant. On other transcripts: 5 prime UTR variant (1), non-coding transcript variant (1).
Genome position (GRCh38, 1-based): chr10:87,790,389, C>T on the plus strand (G>A on the coding strand, the complement: ATAD1 is on the minus strand). VCF-style: chr10-87790389-C-T. GRCh37 (hg19) VCF-style: chr10-89550146-C-T.
Other names: c.303G>A, p.Thr101= (NM_001321968.2, NM_032810.4); c.-145G>A (NM_001321969.2).
Identifiers: ClinVar variation 1538377 (VCV001538377.31), dbSNP rs767153294, ClinGen allele CA5590115.